The following is an entry in ClinVar:

NM_001291303.3(FAT4):c.14476T>C (p.Ser4826Pro)

Gene: FAT4 (FAT atypical cadherin 4; plus strand). Cytogenetic location: 4q28.1.
Variant type: single nucleotide variant.
Coding change: c.14476T>C on transcript NM_001291303.3 (MANE Select); coding-DNA position 14476, T replaced by C.
Protein change: p.Ser4826Pro; replaces serine 4826 with proline.
Molecular consequence: missense variant.
Genome position (GRCh38, 1-based): chr4:125,491,292, T>C. VCF-style: chr4-125491292-T-C. GRCh37 (hg19) VCF-style: chr4-126412447-T-C.
Other names: c.14473T>C, p.Ser4825Pro (NM_001291285.3); c.14470T>C, p.Ser4824Pro (NM_024582.6); short protein forms S4825P, S4826P, S4824P.
Identifiers: ClinVar variation 1505709 (VCV001505709.12), dbSNP rs374891029, ClinGen allele CA3074572.

ClinVar aggregate classification (germline): Uncertain significance. Review status: criteria provided, multiple submitters, no conflicts (2 of 4 stars). 2 submissions from 2 submitters: Uncertain significance (2). Last evaluated 2025-10-20.

Allele frequency attached by ClinVar (database versions not stated): gnomAD exomes 0.00002; TOPMed 0.00002; gnomAD 0.00003; ExAC 0.00004; ESP Exome Variant Server 0.00008.
gnomAD v4.1: 28 of 1,614,006 alleles (0.0017%); highest among the groups gnomAD compares: Middle Eastern, 0.099%; no homozygotes.

Submissions (2):

Labcorp Genetics (formerly Invitae), Labcorp
Classification: Uncertain significance. Last evaluated: 2025-10-20. Review status: criteria provided, single submitter. Criteria: Invitae Variant Classification Sherloc (09022015). Collection method: clinical testing. Allele origin: germline.
Comment: This sequence change replaces serine, which is neutral and polar, with proline, which is neutral and non-polar, at codon 4824 of the FAT4 protein (p.Ser4824Pro). This variant is present in population databases (rs374891029, gnomAD 0.01%). This variant has not been reported in the literature in individuals affected with FAT4-related conditions. ClinVar contains an entry for this variant (Variation ID: 1505709). Invitae Evidence Modeling of protein sequence and biophysical properties (such as structural, functional, and spatial information, amino acid conservation, physicochemical variation, residue mobility, and thermodynamic stability) indicates that this missense variant is not expected to disrupt FAT4 protein function with a negative predictive value of 95%. In summary, the available evidence is currently insufficient to determine the role of this variant in disease. Therefore, it has been classified as a Variant of Uncertain Significance.

CeGaT Center for Human Genetics Tuebingen
Classification: Uncertain significance. Last evaluated: 2025-09-01. Review status: criteria provided, single submitter. Criteria: CeGaT Center For Human Genetics Tuebingen Variant Classification Criteria Version 2. Collection method: clinical testing. Allele origin: germline. Affected: yes. Observed: 1 variant allele.
Comment: FAT4: PM2, PP3